The following is an entry in ClinVar:

ClinVar aggregate classification (germline): Uncertain significance (1 of 4 stars; one submission).

Conditions:
Joubert syndrome. Also called: CEREBELLOPARENCHYMAL DISORDER IV; JOUBERT-BOLTSHAUSER SYNDROME; Familial aplasia of the vermis. Identifiers: Orphanet 475, MedGen C5979921, MONDO:0018772.

Submission:

Labcorp Genetics (formerly Invitae), Labcorp
Classification: Uncertain significance for Joubert syndrome. Last evaluated: 2025-05-05. Review status: criteria provided, single submitter. Criteria: Invitae Variant Classification Sherloc (09022015). Collection method: clinical testing. Allele origin: germline.
Comment: This sequence change replaces asparagine, which is neutral and polar, with serine, which is neutral and polar, at codon 772 of the AHI1 protein (p.Asn772Ser). This variant is not present in population databases (gnomAD no frequency). This variant has not been reported in the literature in individuals affected with AHI1-related conditions. ClinVar contains an entry for this variant (Variation ID: 1367822). Invitae Evidence Modeling of protein sequence and biophysical properties (such as structural, functional, and spatial information, amino acid conservation, physicochemical variation, residue mobility, and thermodynamic stability) indicates that this missense variant is not expected to disrupt AHI1 protein function with a negative predictive value of 95%. In summary, the available evidence is currently insufficient to determine the role of this variant in disease. Therefore, it has been classified as a Variant of Uncertain Significance.

NM_001134831.2(AHI1):c.2315A>G (p.Asn772Ser)

Gene: AHI1 (Abelson helper integration site 1; minus strand). Cytogenetic location: 6q23.3.
Variant type: single nucleotide variant.
Coding change: c.2315A>G on transcript NM_001134831.2 (MANE Select); coding-DNA position 2315, A replaced by G.
Protein change: p.Asn772Ser; replaces asparagine 772 with serine.
Molecular consequence: missense variant.
Genome position (GRCh38, 1-based): chr6:135,431,266, T>C on the plus strand (A>G on the coding strand, the complement: AHI1 is on the minus strand). VCF-style: chr6-135431266-T-C. GRCh37 (hg19) VCF-style: chr6-135752404-T-C.
Other names: c.2315A>G, p.Asn772Ser (NM_001134830.2, NM_001134832.2, NM_001350503.2 and 2 more transcripts); short protein forms N772S.
Identifiers: ClinVar variation 1367822 (VCV001367822.8), dbSNP rs2128016790, ClinGen allele CA365743232.